The following is an entry in ClinVar:

NM_001128840.3(CACNA1D):c.5557G>A (p.Glu1853Lys)

Gene: CACNA1D (calcium voltage-gated channel subunit alpha1 D; plus strand). Cytogenetic location: 3p21.1.
Variant type: single nucleotide variant.
Coding change: c.5557G>A on transcript NM_001128840.3 (MANE Select); coding-DNA position 5557, G replaced by A.
Protein change: p.Glu1853Lys; replaces glutamic acid 1853 with lysine.
Molecular consequence: missense variant.
Genome position (GRCh38, 1-based): chr3:53,803,544, G>A. VCF-style: chr3-53803544-G-A. GRCh37 (hg19) VCF-style: chr3-53837571-G-A.
Other names: c.5617G>A, p.Glu1873Lys (NM_000720.4); c.5485G>A, p.Glu1829Lys (NM_001128839.3); c.5617G>A (NM_000720.2); short protein forms E1853K, E1873K, E1829K.
Identifiers: ClinVar variation 1500452 (VCV001500452.8), dbSNP rs767266272, ClinGen allele CA2455171.

ClinVar aggregate classification (germline): Uncertain significance. Review status: criteria provided, multiple submitters, no conflicts (2 of 4 stars). 2 submissions from 2 submitters: Uncertain significance (2). Last evaluated 2025-10-27.

Conditions:
Inborn genetic diseases. Identifiers: MedGen C0950123, MeSH D030342.

Allele frequency attached by ClinVar (database versions not stated): ExAC 0.00001; gnomAD exomes 0.00002; gnomAD 0.00003; TOPMed 0.00003.
gnomAD v4.1: 36 of 1,614,016 alleles (0.0022%); highest among the groups gnomAD compares: African/African-American, 0.0027%; no homozygotes.

Submissions (2):

Labcorp Genetics (formerly Invitae), Labcorp
Classification: Uncertain significance. Last evaluated: 2025-10-27. Review status: criteria provided, single submitter. Criteria: Invitae Variant Classification Sherloc (09022015). Collection method: clinical testing. Allele origin: germline.
Comment: This sequence change replaces glutamic acid, which is acidic and polar, with lysine, which is basic and polar, at codon 1873 of the CACNA1D protein (p.Glu1873Lys). This variant is present in population databases (rs767266272, gnomAD 0.008%). This variant has not been reported in the literature in individuals affected with CACNA1D-related conditions. ClinVar contains an entry for this variant (Variation ID: 1500452). An algorithm developed to predict the effect of missense changes on protein structure and function (PolyPhen-2) suggests that this variant is likely to be disruptive. In summary, the available evidence is currently insufficient to determine the role of this variant in disease. Therefore, it has been classified as a Variant of Uncertain Significance.

Ambry Genetics
Classification: Uncertain significance for Inborn genetic diseases. Last evaluated: 2023-01-25. Review status: criteria provided, single submitter. Criteria: Ambry Variant Classification Scheme 2023. Collection method: clinical testing. Allele origin: germline.